The following is an entry in ClinVar:

ClinVar aggregate classification (germline): Uncertain significance (1 of 4 stars; one submission).

Submission:

Labcorp Genetics (formerly Invitae), Labcorp
Classification: Uncertain significance. Last evaluated: 2025-06-23. Review status: criteria provided, single submitter. Criteria: Invitae Variant Classification Sherloc (09022015). Collection method: clinical testing. Allele origin: germline.
Comment: This sequence change replaces glutamic acid, which is acidic and polar, with aspartic acid, which is acidic and polar, at codon 1244 of the LRRK1 protein (p.Glu1244Asp). This variant is not present in population databases (gnomAD no frequency). This variant has not been reported in the literature in individuals affected with LRRK1-related conditions. ClinVar contains an entry for this variant (Variation ID: 2081812). An algorithm developed to predict the effect of missense changes on protein structure and function outputs the following: PolyPhen-2: "Possibly Damaging". The aspartic acid amino acid residue is found in multiple mammalian species, which suggests that this missense change does not adversely affect protein function. In summary, the available evidence is currently insufficient to determine the role of this variant in disease. Therefore, it has been classified as a Variant of Uncertain Significance.

NM_024652.6(LRRK1):c.3732G>C (p.Glu1244Asp)

Genes: LRRK1 (leucine rich repeat kinase 1; plus strand), LRRK1-AS1 (LRRK1 antisense RNA 1; minus strand). Cytogenetic location: 15q26.3.
Variant type: single nucleotide variant.
Coding change: c.3732G>C on transcript NM_024652.6 (MANE Select); coding-DNA position 3732, G replaced by C.
Protein change: p.Glu1244Asp; replaces glutamic acid 1244 with aspartic acid.
Molecular consequence: missense variant.
Genome position (GRCh38, 1-based): chr15:101,052,964, G>C. VCF-style: chr15-101052964-G-C. GRCh37 (hg19) VCF-style: chr15-101593169-G-C.
Other names: short protein forms E1244D.
Identifiers: ClinVar variation 2081812 (VCV002081812.4), dbSNP rs2035557129, ClinGen allele CA393953155.
Genomic context (GRCh38, chr15:101,052,964, plus strand): 5'-GCCGGGCGTGTGTGGCAGGCTCTTCCTGGAGAACAGCAAGCTGGAGCACAGCGAGGACGA[G>C]GGCAGCGTCCTGGGCCAGGGCGGCAGTGGCACCGTCATCTACCGGGCCCGGTACCAGGGC-3'
Protein context (NP_078928.3, residues 1234-1254): ENSKLEHSED[Glu1244Asp]GSVLGQGGSG